The following is an entry in ClinVar:

NM_002755.4(MAP2K1):c.657G>C (p.Met219Ile)

Gene: MAP2K1 (mitogen-activated protein kinase kinase 1; plus strand). Cytogenetic location: 15q22.31.
Variant type: single nucleotide variant.
Coding change: c.657G>C on transcript NM_002755.4 (MANE Select); coding-DNA position 657, G replaced by C.
Protein change: p.Met219Ile; replaces methionine 219 with isoleucine.
Molecular consequence: missense variant.
Genome position (GRCh38, 1-based): chr15:66,481,843, G>C. VCF-style: chr15-66481843-G-C. GRCh37 (hg19) VCF-style: chr15-66774181-G-C.
Other names: p.M219I:ATG>ATC; short protein forms M219I.
Identifiers: ClinVar variation 40752 (VCV000040752.2), dbSNP rs730880506, ClinGen allele CA296119.

ClinVar aggregate classification (germline): Uncertain significance (1 of 4 stars; one submission).

Submission:

GeneDx
Classification: Uncertain significance. Last evaluated: 2012-04-22. Review status: criteria provided, single submitter. Criteria: GeneDx Variant Classification (06012015). Collection method: clinical testing. Allele origin: germline. Affected: yes.
Comment: A variant of unknown significance has been identified. The M219I missense substitution has not been published as a mutation, nor has it been reported as a benign polymorphism to our knowledge. The M219I missense change is a conservative substitution as both the Methionine and Isoleucine residues are neutral and non-polar. The NHLBI ESP Exome Variant Server reports that M219I was not observed in approximately 5,000 samples from individuals of European and African American backgrounds, indicating it is not a common benign variant in these populations. However, this variant occurs at a position that is only moderately conserved in the protein and not conserved in related proteins. Another missense mutation in a nearby codon (E203Q) has been reported previously in association with cardio-facio-cutaneous syndrome (Nystrom et al., 2008). Therefore, this result cannot be interpreted for diagnosis or used for genetic counseling without further studies. The variant is found in NOONAN panel(s).